The following is an entry in ClinVar:

NM_018557.3(LRP1B):c.5901A>G (p.Ile1967Met)

Gene: LRP1B (LDL receptor related protein 1B; minus strand). Cytogenetic location: 2q22.1.
Variant type: single nucleotide variant.
Coding change: c.5901A>G on transcript NM_018557.3 (MANE Select); coding-DNA position 5901, A replaced by G.
Protein change: p.Ile1967Met; replaces isoleucine 1967 with methionine.
Molecular consequence: missense variant.
Genome position (GRCh38, 1-based): chr2:140,716,095, T>C on the plus strand (A>G on the coding strand, the complement: LRP1B is on the minus strand). VCF-style: chr2-140716095-T-C. GRCh37 (hg19) VCF-style: chr2-141473664-T-C.
Other names: short protein forms I1967M.
Identifiers: ClinVar variation 3050851 (VCV003050851.3), dbSNP rs34282756, ClinGen allele CA1894747.
Genomic context (GRCh38, chr2:140,716,095, plus strand): 5'-ACGGAAAGAACCATTGAGTCTTGCAACTTCAATTAAGTTGAAACCATGATCTGTCCAATA[T>C]ATGTTACCTAGGAGAAATAATAGAGGTGTTTATAATACAGTTTTGAGAAAAAAAATGTAT-3'
Protein context (NP_061027.2, residues 1957-1977): GIAVDWIAGN[Ile1967Met]YWTDHGFNLI

ClinVar aggregate classification (germline): Uncertain significance. Review status: criteria provided, single submitter (1 of 4 stars). 2 submissions from 2 submitters: Uncertain significance (1). 1 of the submissions does not count toward it. Last evaluated 2025-08-25.

Conditions:
LRP1B-related disorder. Also called: LRP1B-related condition.

Allele frequency attached by ClinVar (database versions not stated): 1000 Genomes Project 0.00300; 1000 Genomes Project 30x 0.00312; ExAC 0.00075; ESP Exome Variant Server 0.00185; gnomAD 0.00241.
gnomAD v4.1: 683 of 1,593,898 alleles (0.043%); highest among the groups gnomAD compares: African/African-American, 0.78%; 7 homozygotes.

Submissions (2):

Ambry Genetics
Classification: Uncertain significance. Last evaluated: 2025-08-25. Review status: criteria provided, single submitter. Criteria: Ambry Variant Classification Scheme 2023. Collection method: clinical testing. Allele origin: germline.

PreventionGenetics, part of Exact Sciences
Classification: Benign for LRP1B-related condition. Last evaluated: 2019-11-14. Review status: no assertion criteria provided. Collection method: clinical testing. Allele origin: germline. Not counted in ClinVar's aggregate classification.
Comment: This variant is classified as benign based on ACMG/AMP sequence variant interpretation guidelines (Richards et al. 2015 PMID: 25741868, with internal and published modifications).